The following is an entry in ClinVar:

NM_013314.4(BLNK):c.274G>A (p.Ala92Thr)

Gene: BLNK (B cell linker; minus strand). Cytogenetic location: 10q24.1.
Variant type: single nucleotide variant.
Coding change: c.274G>A on transcript NM_013314.4 (MANE Select); coding-DNA position 274, G replaced by A.
Protein change: p.Ala92Thr; replaces alanine 92 with threonine.
Molecular consequence: missense variant. On other transcripts: non-coding transcript variant (4).
Genome position (GRCh38, 1-based): chr10:96,227,497, C>T on the plus strand (G>A on the coding strand, the complement: BLNK is on the minus strand). VCF-style: chr10-96227497-C-T. GRCh37 (hg19) VCF-style: chr10-97987253-C-T.
Other names: c.274G>A, p.Ala92Thr (NM_001114094.2, NM_001258440.2, NM_001258441.2 and 1 more transcripts); c.274G>A (NM_013314.3); short protein forms A92T.
Identifiers: ClinVar variation 1426865 (VCV001426865.5), dbSNP rs782493817, ClinGen allele CA5623519.

ClinVar aggregate classification (germline): Uncertain significance. Review status: criteria provided, multiple submitters, no conflicts (2 of 4 stars). 2 submissions from 2 submitters: Uncertain significance (2). Last evaluated 2023-05-08.

Conditions:
Agammaglobulinemia 4, autosomal recessive (AGM4). Also called: B cell linker protein deficiency; AGAMMAGLOBULINEMIA, AUTOSOMAL RECESSIVE, DUE TO BLNK DEFECT. Identifiers: MedGen C3150752, MONDO:0013289, OMIM 613502.
Inborn genetic diseases. Identifiers: MedGen C0950123, MeSH D030342.

Allele frequency attached by ClinVar (database versions not stated): gnomAD 0.00001 and 0.00002; ExAC 0.00002; gnomAD exomes 0.00002 and 0.00003; TOPMed 0.00002.
gnomAD v4.1: 31 of 1,614,214 alleles (0.0019%); highest among the groups gnomAD compares: East Asian, 0.04%; no homozygotes.

Submissions (2):

Ambry Genetics
Classification: Uncertain significance for Inborn genetic diseases. Last evaluated: 2023-05-08. Review status: criteria provided, single submitter. Criteria: Ambry Variant Classification Scheme 2023. Collection method: clinical testing. Allele origin: germline.

Labcorp Genetics (formerly Invitae), Labcorp
Classification: Uncertain significance for Agammaglobulinemia 4, autosomal recessive. Last evaluated: 2022-10-13. Review status: criteria provided, single submitter. Criteria: Invitae Variant Classification Sherloc (09022015). Collection method: clinical testing. Allele origin: germline.
Comment: Advanced modeling of protein sequence and biophysical properties (such as structural, functional, and spatial information, amino acid conservation, physicochemical variation, residue mobility, and thermodynamic stability) performed at Invitae indicates that this missense variant is not expected to disrupt BLNK protein function. ClinVar contains an entry for this variant (Variation ID: 1426865). This variant has not been reported in the literature in individuals affected with BLNK-related conditions. This variant is present in population databases (rs782493817, gnomAD 0.04%). This sequence change replaces alanine, which is neutral and non-polar, with threonine, which is neutral and polar, at codon 92 of the BLNK protein (p.Ala92Thr). In summary, the available evidence is currently insufficient to determine the role of this variant in disease. Therefore, it has been classified as a Variant of Uncertain Significance.